The following is an entry in ClinVar:

NM_025137.4(SPG11):c.4405A>G (p.Ile1469Val)

Gene: SPG11 (SPG11 vesicle trafficking associated, spatacsin; minus strand). Cytogenetic location: 15q21.1.
Variant type: single nucleotide variant.
Coding change: c.4405A>G on transcript NM_025137.4 (MANE Select); coding-DNA position 4405, A replaced by G.
Protein change: p.Ile1469Val; replaces isoleucine 1469 with valine.
Molecular consequence: missense variant.
Genome position (GRCh38, 1-based): chr15:44,596,112, T>C on the plus strand (A>G on the coding strand, the complement: SPG11 is on the minus strand). VCF-style: chr15-44596112-T-C. GRCh37 (hg19) VCF-style: chr15-44888310-T-C.
Other names: c.4405A>G (NM_025137.3); c.4405A>G, p.Ile1469Val (NM_001160227.2); short protein forms I1469V.
Identifiers: ClinVar variation 1449458 (VCV001449458.4), dbSNP rs767802753, ClinGen allele CA7534699.

ClinVar aggregate classification (germline): Uncertain significance. Review status: criteria provided, multiple submitters, no conflicts (2 of 4 stars). 2 submissions from 2 submitters: Uncertain significance (2). Last evaluated 2024-12-02.

Conditions:
Hereditary spastic paraplegia 11. Also called: SPASTIC PARAPLEGIA, AUTOSOMAL RECESSIVE, COMPLICATED, WITH THIN CORPUS CALLOSUM; SPASTIC PARAPLEGIA, AUTOSOMAL RECESSIVE, WITH MENTAL IMPAIRMENT AND THIN CORPUS CALLOSUM; Spastic paraplegia, mental retardation and thin corpus callosum; Spastic Paraplegia 11; Nakamura Osame syndrome; Autosomal recessive hereditary spastic paraplegia, mental impairment, and thin corpus callosum. Identifiers: Orphanet 2822, MedGen C1858479, MONDO:0011445, OMIM 604360.

Allele frequency attached by ClinVar (database versions not stated): gnomAD 0.00001; TOPMed 0.00001.
gnomAD v4.1: 11 of 1,613,736 alleles (0.00068%); highest among the groups gnomAD compares: Non-Finnish European, 0.00093%; no homozygotes.

Submissions (2):

GeneDx
Classification: Uncertain significance. Last evaluated: 2024-12-02. Review status: criteria provided, single submitter. Criteria: GeneDx Variant Classification Process June 2021. Collection method: clinical testing. Allele origin: germline. Affected: yes.
Comment: Not observed at significant frequency in large population cohorts (gnomAD); In silico analysis indicates that this missense variant does not alter protein structure/function; Has not been previously published as pathogenic or benign to our knowledge

Labcorp Genetics (formerly Invitae), Labcorp
Classification: Uncertain significance for Hereditary spastic paraplegia 11. Last evaluated: 2021-09-17. Review status: criteria provided, single submitter. Criteria: Invitae Variant Classification Sherloc (09022015). Collection method: clinical testing. Allele origin: germline.
Comment: This sequence change replaces isoleucine with valine at codon 1469 of the SPG11 protein (p.Ile1469Val). The isoleucine residue is highly conserved and there is a small physicochemical difference between isoleucine and valine. This variant is present in population databases (rs767802753, ExAC 0.002%). This variant has not been reported in the literature in individuals affected with SPG11-related conditions. Algorithms developed to predict the effect of missense changes on protein structure and function output the following: SIFT: "Tolerated"; PolyPhen-2: "Benign"; Align-GVGD: "Class C0". The valine amino acid residue is found in multiple mammalian species, which suggests that this missense change does not adversely affect protein function. In summary, the available evidence is currently insufficient to determine the role of this variant in disease. Therefore, it has been classified as a Variant of Uncertain Significance.